The following is an entry in ClinVar:

NM_206933.4(USH2A):c.7719T>C (p.Arg2573=)

Gene: USH2A (usherin; minus strand). Cytogenetic location: 1q41.
Variant type: single nucleotide variant.
Coding change: c.7719T>C on transcript NM_206933.4 (MANE Select); coding-DNA position 7719, T replaced by C.
Protein change: p.Arg2573=; no amino-acid change (arginine 2573 retained).
Molecular consequence: synonymous variant.
Genome position (GRCh38, 1-based): chr1:215,888,930, A>G on the plus strand (T>C on the coding strand, the complement: USH2A is on the minus strand). VCF-style: chr1-215888930-A-G. GRCh37 (hg19) VCF-style: chr1-216062272-A-G.
Identifiers: ClinVar variation 48590 (VCV000048590.18), dbSNP rs143683292, ClinGen allele CA143609.

ClinVar aggregate classification (germline): Likely benign. Review status: criteria provided, multiple submitters, no conflicts (2 of 4 stars). 7 submissions from 6 submitters: Likely benign (7). Last evaluated 2026-08-25.

Conditions:
USH2A-related disorder. Also called: USH2A-related disorders; USH2A-related condition. Identifiers: MedGen CN239332.
Usher syndrome type 2A. Also called: RETINAL DISEASE IN USHER SYNDROME TYPE IIA, MODIFIER OF; USHER SYNDROME, TYPE IIA. Identifiers: Orphanet 231178, Orphanet 886, MedGen C1848634, MONDO:0010169, OMIM 276901.
Retinitis pigmentosa 39 (RP39). Identifiers: Orphanet 791, MedGen C3151138, MONDO:0013436, OMIM 613809.

Allele frequency attached by ClinVar (database versions not stated): ExAC 0.00002; gnomAD exomes 0.00002 and 0.00028; ESP Exome Variant Server 0.00008; TOPMed 0.00008; gnomAD 0.00009.
gnomAD v4.1: 405 of 1,613,994 alleles (0.025%); highest among the groups gnomAD compares: Non-Finnish European, 0.034%; no homozygotes.

Submissions (7):

PreventionGenetics, part of Exact Sciences
Classification: Likely benign for USH2A-related condition. Last evaluated: 2026-08-25. Review status: criteria provided, single submitter. Criteria: ACMG Guidelines, 2015. Collection method: clinical testing. Allele origin: germline.
Comment: This variant is classified as likely benign based on ACMG/AMP sequence variant interpretation guidelines (Richards et al. 2015 PMID: 25741868, with internal and published modifications).

Labcorp Genetics (formerly Invitae), Labcorp
Classification: Likely benign. Last evaluated: 2026-01-24. Review status: criteria provided, single submitter. Criteria: Invitae Variant Classification Sherloc (09022015). Collection method: clinical testing. Allele origin: germline.

Genome-Nilou Lab
Classification: Likely benign for Retinitis pigmentosa 39. Last evaluated: 2023-11-04. Review status: criteria provided, single submitter. Criteria: ACMG Guidelines, 2015. Collection method: clinical testing. Allele origin: germline. Affected: no.

Genome-Nilou Lab
Classification: Likely benign for Usher syndrome type 2A. Last evaluated: 2023-11-04. Review status: criteria provided, single submitter. Criteria: ACMG Guidelines, 2015. Collection method: clinical testing. Allele origin: germline. Affected: no.

Blueprint Genetics
Classification: Likely benign. Last evaluated: 2022-09-23. Review status: criteria provided, single submitter. Criteria: ACMG Guidelines, 2015. Collection method: clinical testing. Allele origin: germline.

GeneDx
Classification: Likely benign. Last evaluated: 2019-12-20. Review status: criteria provided, single submitter. Criteria: GeneDx Variant Classification Process June 2021. Collection method: clinical testing. Allele origin: germline. Affected: yes.

Laboratory for Molecular Medicine, Mass General Brigham Personalized Medicine
Classification: Likely benign. Last evaluated: 2016-08-26. Review status: criteria provided, single submitter. Criteria: LMM Criteria. Collection method: clinical testing. Allele origin: germline. Observed: 1 variant allele.
Comment: proposed classification - variant undergoing re-assessment, contact laboratory